The following is an entry in ClinVar:

ClinVar aggregate classification (germline): Likely benign (1 of 4 stars; one submission).

Allele frequency attached by ClinVar (database versions not stated): gnomAD 0.00121; TOPMed 0.00121; 1000 Genomes Project 30x 0.00172; 1000 Genomes Project 0.00220.
gnomAD v4.1: 185 of 152,192 alleles (0.12%); highest among the groups gnomAD compares: Non-Finnish European, 0.2%; no homozygotes.

Submission:

CeGaT Center for Human Genetics Tuebingen
Classification: Likely benign. Last evaluated: 2026-08-01. Review status: criteria provided, single submitter. Criteria: CeGaT Center For Human Genetics Tuebingen Variant Classification Criteria Version 2. Collection method: clinical testing. Allele origin: germline. Affected: yes. Observed: 13 variant alleles.
Comment: BRAF: BS1

NM_004333.6(BRAF):c.1141-529G>T

Gene: BRAF (B-Raf proto-oncogene, serine/threonine kinase; minus strand). Cytogenetic location: 7q34.
Variant type: single nucleotide variant.
Coding change: c.1141-529G>T on transcript NM_004333.6 (MANE Select); 529 bases into the intron before coding-DNA position 1141, G replaced by T.
Molecular consequence: intron variant.
Genome position (GRCh38, 1-based): chr7:140,788,113, C>A on the plus strand (G>T on the coding strand, the complement: BRAF is on the minus strand). VCF-style: chr7-140788113-C-A. GRCh37 (hg19) VCF-style: chr7-140487913-C-A.
Other names: c.1141-529G>T (NM_001374244.1, NM_001378474.1, NM_001378468.1 and 3 more transcripts); c.985-529G>T (NM_001378473.1, NM_001378472.1); c.1039-529G>T (NM_001378470.1); c.877-529G>T (NM_001378475.1); c.1141-5030G>T (NM_001378471.1); c.1150-529G>T (NM_001378467.1).
Identifiers: ClinVar variation 2658045 (VCV002658045.24), dbSNP rs140311183, ClinGen allele CA168095534.